The following is an entry in ClinVar:

ClinVar aggregate classification (germline): Uncertain significance (1 of 4 stars; one submission).

Conditions:
Glycogen storage disease due to muscle and heart glycogen synthase deficiency. Also called: GSD 0b; MUSCLE GLYCOGEN SYNTHASE DEFICIENCY. Identifiers: Orphanet 137625, MedGen C1969054, MONDO:0012693, OMIM 611556.

Allele frequency attached by ClinVar (database versions not stated): gnomAD exomes below 0.00001; ExAC 0.00001; gnomAD 0.00001.
gnomAD v4.1: 7 of 1,613,946 alleles (0.00043%); highest among the groups gnomAD compares: South Asian, 0.0022%; no homozygotes.

Submission:

Labcorp Genetics (formerly Invitae), Labcorp
Classification: Uncertain significance for Glycogen storage disease due to muscle and heart glycogen synthase deficiency. Last evaluated: 2023-07-07. Review status: criteria provided, single submitter. Criteria: Invitae Variant Classification Sherloc (09022015). Collection method: clinical testing. Allele origin: germline.
Comment: This sequence change replaces valine, which is neutral and non-polar, with isoleucine, which is neutral and non-polar, at codon 254 of the GYS1 protein (p.Val254Ile). This variant is present in population databases (rs757728625, gnomAD 0.003%). This variant has not been reported in the literature in individuals affected with GYS1-related conditions. ClinVar contains an entry for this variant (Variation ID: 940671). Advanced modeling of protein sequence and biophysical properties (such as structural, functional, and spatial information, amino acid conservation, physicochemical variation, residue mobility, and thermodynamic stability) performed at Invitae indicates that this missense variant is not expected to disrupt GYS1 protein function. In summary, the available evidence is currently insufficient to determine the role of this variant in disease. Therefore, it has been classified as a Variant of Uncertain Significance.

NM_002103.5(GYS1):c.760G>A (p.Val254Ile)

Gene: GYS1 (glycogen synthase 1; minus strand). Cytogenetic location: 19q13.33.
Variant type: single nucleotide variant.
Coding change: c.760G>A on transcript NM_002103.5 (MANE Select); coding-DNA position 760, G replaced by A.
Protein change: p.Val254Ile; replaces valine 254 with isoleucine.
Molecular consequence: missense variant. On other transcripts: non-coding transcript variant (1).
Genome position (GRCh38, 1-based): chr19:48,985,524, C>T on the plus strand (G>A on the coding strand, the complement: GYS1 is on the minus strand). VCF-style: chr19-48985524-C-T. GRCh37 (hg19) VCF-style: chr19-49488781-C-T.
Other names: c.568G>A, p.Val190Ile (NM_001161587.2); short protein forms V254I, V190I.
Identifiers: ClinVar variation 940671 (VCV000940671.9), dbSNP rs757728625, ClinGen allele CA9563229.
Genomic context (GRCh38, chr19:48,985,524, plus strand): 5'-GTTTCCTCTTGAGCAAGTGCTGTGCCTCGATGGCGGTGATCTGGGACACAGTAGTGAAGA[C>T]GTGAGCGCAGTGGGCTGCCGCCCTTTCCATGCAGTATCGGTGGTAGATCTGCCTCTCCCC-3'
Protein context (NP_002094.2, residues 244-264): MERAAAHCAH[Val254Ile]FTTVSQITAI